The following is an entry in ClinVar:

NM_032634.4(PIGO):c.1361dup (p.Thr455fs)

Gene: PIGO (phosphatidylinositol glycan anchor biosynthesis class O; minus strand). Cytogenetic location: 9p13.3.
Variant type: Duplication.
Coding change: c.1361dup on transcript NM_032634.4 (MANE Select); coding-DNA position 1361, one base duplicated (G; older notation c.1361dupG).
Protein change: p.Thr455fs; shifts the reading frame from threonine 455.
Molecular consequence: frameshift variant. On other transcripts: intron variant (2).
Genome position (GRCh38, 1-based): chr9:35,092,526, C duplicated on the plus strand (G on the coding strand, the reverse complement: PIGO is on the minus strand); the first of 6 consecutive C bases (chr9:35,092,526-35,092,531); duplicating any one gives the same sequence. VCF-style (leftmost placement, unchanged base first): chr9-35092525-A-AC. GRCh37 (hg19) VCF-style: chr9-35092522-A-AC.
Other names: c.1344+17dup (NM_152850.4, NM_001201484.2); short protein forms T455fs.
Identifiers: ClinVar variation 1956756 (VCV001956756.5), dbSNP rs745452743, ClinGen allele CA5040649.

ClinVar aggregate classification (germline): Pathogenic (1 of 4 stars; one submission).

Conditions:
Hyperphosphatasia with impaired intellectual development syndrome 2. Also called: GLYCOSYLPHOSPHATIDYLINOSITOL BIOSYNTHESIS DEFECT 6; Hyperphosphatasia with intellectual disability syndrome 2. Identifiers: Orphanet 247262, MedGen C3553637, MONDO:0013882, OMIM 614749.

Submission:

Labcorp Genetics (formerly Invitae), Labcorp
Classification: Pathogenic for Hyperphosphatasia with impaired intellectual development syndrome 2. Last evaluated: 2021-12-25. Review status: criteria provided, single submitter. Criteria: Invitae Variant Classification Sherloc (09022015). Collection method: clinical testing. Allele origin: germline.
Comment: This sequence change creates a premature translational stop signal (p.Thr455Tyrfs*51) in the PIGO gene. It is expected to result in an absent or disrupted protein product. Loss-of-function variants in PIGO are known to be pathogenic (PMID: 22683086, 24417746). The frequency data for this variant in the population databases is considered unreliable, as metrics indicate poor data quality at this position in the gnomAD database. This variant has not been reported in the literature in individuals affected with PIGO-related conditions. Algorithms developed to predict the effect of sequence changes on RNA splicing suggest that this variant may create or strengthen a splice site. For these reasons, this variant has been classified as Pathogenic.

Literature cited by the submitters: PubMed 22683086; PubMed 24417746.